The following is an entry in ClinVar:

ClinVar aggregate classification (germline): Uncertain significance (1 of 4 stars; one submission).

Conditions:
DNMT1-related disorder. Also called: DNMT1-related condition. Identifiers: MedGen CN381527.

gnomAD v4.1: 1 of 1,614,118 alleles (0.000062%); no homozygotes.

Submission:

PreventionGenetics, part of Exact Sciences
Classification: Uncertain significance for DNMT1-related condition. Last evaluated: 2025-05-14. Review status: criteria provided, single submitter. Criteria: ACMG Guidelines, 2015. Collection method: clinical testing. Allele origin: germline.
Comment: The DNMT1 c.2729T>C variant is predicted to result in the amino acid substitution p.Val910Ala. To our knowledge, this variant has not been reported in the literature or in a large population database (gnomAD), indicating this variant is rare. At this time, the clinical significance of this variant is uncertain due to the absence of conclusive functional and genetic evidence.

NM_001130823.3(DNMT1):c.2729T>C (p.Val910Ala)

Gene: DNMT1 (DNA methyltransferase 1; minus strand). Cytogenetic location: 19p13.2.
Variant type: single nucleotide variant.
Coding change: c.2729T>C on transcript NM_001130823.3 (MANE Select); coding-DNA position 2729, T replaced by C.
Protein change: p.Val910Ala; replaces valine 910 with alanine.
Molecular consequence: missense variant.
Genome position (GRCh38, 1-based): chr19:10,146,516, A>G on the plus strand (T>C on the coding strand, the complement: DNMT1 is on the minus strand). VCF-style: chr19-10146516-A-G. GRCh37 (hg19) VCF-style: chr19-10257192-A-G.
Other names: c.2681T>C, p.Val894Ala (NM_001318730.2, NM_001379.4); c.2366T>C, p.Val789Ala (NM_001318731.2); short protein forms V789A, V894A, V910A.
Identifiers: ClinVar variation 2631910 (VCV002631910.2), dbSNP rs2513799212, ClinGen allele CA403976435.